The following is an entry in ClinVar:

NM_001201543.2(FAM161A):c.1219A>G (p.Arg407Gly)

Gene: FAM161A (FAM161 centrosomal protein A; minus strand). Cytogenetic location: 2p15.
Variant type: single nucleotide variant.
Coding change: c.1219A>G on transcript NM_001201543.2 (MANE Select); coding-DNA position 1219, A replaced by G.
Protein change: p.Arg407Gly; replaces arginine 407 with glycine.
Molecular consequence: missense variant. On other transcripts: non-coding transcript variant (1).
Genome position (GRCh38, 1-based): chr2:61,839,785, T>C on the plus strand (A>G on the coding strand, the complement: FAM161A is on the minus strand). VCF-style: chr2-61839785-T-C. GRCh37 (hg19) VCF-style: chr2-62066920-T-C.
Other names: c.1219A>G, p.Arg407Gly (NM_032180.3); short protein forms R407G.
Identifiers: ClinVar variation 966793 (VCV000966793.7), dbSNP rs576715893, ClinGen allele CA1679190.

ClinVar aggregate classification (germline): Uncertain significance. Review status: criteria provided, multiple submitters, no conflicts (2 of 4 stars). 5 submissions from 5 submitters: Uncertain significance (4). 1 of the submissions does not count toward it. Last evaluated 2026-06-17.

Conditions:
Retinitis pigmentosa 28 (RP28). Identifiers: Orphanet 791, MedGen C1419614, MONDO:0011630, OMIM 606068.
FAM161A-related disorder. Also called: FAM161A-related condition.
Inborn genetic diseases. Identifiers: MedGen C0950123, MeSH D030342.

Allele frequency attached by ClinVar (database versions not stated): gnomAD 0.00007 and 0.00008; TOPMed 0.00007; ExAC 0.00010; gnomAD exomes 0.00010; 1000 Genomes Project 30x 0.00016; 1000 Genomes Project 0.00020.

Submissions (5):

PreventionGenetics, part of Exact Sciences
Classification: Uncertain significance for FAM161A-related condition. Last evaluated: 2026-06-17. Review status: criteria provided, single submitter. Criteria: ACMG Guidelines, 2015. Collection method: clinical testing. Allele origin: germline.
Comment: The FAM161A c.1219A>G variant is predicted to result in the amino acid substitution p.Arg407Gly. To our knowledge, this variant has not been reported in the literature. This variant is reported in 0.12% of alleles in individuals of Ashkenazi Jewish descent in gnomAD, which may be too frequent to be a primary cause of disease. Although we suspect that this variant may be benign, at this time, the clinical significance of this variant is uncertain due to the absence of conclusive functional and genetic evidence.

Ambry Genetics
Classification: Uncertain significance for Inborn genetic diseases. Last evaluated: 2024-02-28. Review status: criteria provided, single submitter. Criteria: Ambry Variant Classification Scheme 2023. Collection method: clinical testing. Allele origin: germline.

Blueprint Genetics
Classification: Uncertain significance. Last evaluated: 2023-08-15. Review status: criteria provided, single submitter. Criteria: ACMG Guidelines, 2015. Collection method: clinical testing. Allele origin: germline.

Labcorp Genetics (formerly Invitae), Labcorp
Classification: Uncertain significance. Last evaluated: 2022-07-14. Review status: criteria provided, single submitter. Criteria: Invitae Variant Classification Sherloc (09022015). Collection method: clinical testing. Allele origin: germline.
Comment: This sequence change replaces arginine, which is basic and polar, with glycine, which is neutral and non-polar, at codon 407 of the FAM161A protein (p.Arg407Gly). This variant is present in population databases (rs576715893, gnomAD 0.1%). This variant has not been reported in the literature in individuals affected with FAM161A-related conditions. ClinVar contains an entry for this variant (Variation ID: 966793). Algorithms developed to predict the effect of missense changes on protein structure and function output the following: SIFT: "Deleterious"; PolyPhen-2: "Benign"; Align-GVGD: "Class C45". The glycine amino acid residue is found in multiple mammalian species, which suggests that this missense change does not adversely affect protein function. In summary, the available evidence is currently insufficient to determine the role of this variant in disease. Therefore, it has been classified as a Variant of Uncertain Significance.

Natera, Inc.
Classification: Uncertain significance for Retinitis pigmentosa type 28. Last evaluated: 2020-08-21. Review status: no assertion criteria provided. Collection method: clinical testing. Allele origin: germline. Not counted in ClinVar's aggregate classification.